The following is an entry in ClinVar:

ClinVar aggregate classification (germline): Likely benign. Review status: criteria provided, multiple submitters, no conflicts (2 of 4 stars). 6 submissions from 6 submitters: Likely benign (3). 3 of the submissions do not count toward it. Last evaluated 2025-08-25.

Conditions:
Inborn genetic diseases. Identifiers: MedGen C0950123, MeSH D030342.
Niemann-Pick disease, type C1. Also called: NIEMANN-PICK DISEASE, VARIANT TYPE C1; NEUROVISCERAL STORAGE DISEASE WITH VERTICAL SUPRANUCLEAR OPHTHALMOPLEGIA; NIEMANN-PICK DISEASE WITH CHOLESTEROL ESTERIFICATION BLOCK; NIEMANN-PICK DISEASE WITHOUT SPHINGOMYELINASE DEFICIENCY; NIEMANN-PICK DISEASE, CHRONIC NEURONOPATHIC FORM. Identifiers: Orphanet 646, MedGen C3179455, MONDO:0009757, OMIM 257220.
NPC1-related disorder. Also called: NPC1-related condition.

Allele frequency attached by ClinVar (database versions not stated): TOPMed 0.00001; ExAC 0.00002; gnomAD exomes 0.00002 and 0.00004; gnomAD 0.00003; 1000 Genomes Project 30x 0.00031.
gnomAD v4.1: 34 of 1,614,232 alleles (0.0021%); highest among the groups gnomAD compares: South Asian, 0.0044%; no homozygotes.

Submissions (6):

Labcorp Genetics (formerly Invitae), Labcorp
Classification: Likely benign for Niemann-Pick disease, type C1. Last evaluated: 2025-08-25. Review status: criteria provided, single submitter. Criteria: Invitae Variant Classification Sherloc (09022015). Collection method: clinical testing. Allele origin: germline.

Blueprint Genetics
Classification: Likely benign. Last evaluated: 2023-10-17. Review status: criteria provided, single submitter. Criteria: ACMG Guidelines, 2015. Collection method: clinical testing. Allele origin: germline.

Ambry Genetics
Classification: Likely benign for Inborn genetic diseases. Last evaluated: 2019-06-10. Review status: criteria provided, single submitter. Criteria: Ambry Variant Classification Scheme 2023. Collection method: clinical testing. Allele origin: germline.

PreventionGenetics, part of Exact Sciences
Classification: Likely benign for NPC1-related condition. Last evaluated: 2024-02-23. Review status: no assertion criteria provided. Collection method: clinical testing. Allele origin: germline. Not counted in ClinVar's aggregate classification.
Comment: This variant is classified as likely benign based on ACMG/AMP sequence variant interpretation guidelines (Richards et al. 2015 PMID: 25741868, with internal and published modifications).

Clinical Genetics DNA and cytogenetics Diagnostics Lab, Erasmus MC, Erasmus Medical Center
Classification: Likely benign. Review status: no assertion criteria provided. Collection method: clinical testing. Allele origin: germline. Affected: yes. Study: VKGL Data-share Consensus. Not counted in ClinVar's aggregate classification.

Genome Diagnostics Laboratory, Amsterdam University Medical Center
Classification: Likely benign. Review status: no assertion criteria provided. Collection method: clinical testing. Allele origin: germline. Affected: yes. Study: VKGL Data-share Consensus. Not counted in ClinVar's aggregate classification.

NM_000271.5(NPC1):c.2268C>T (p.Ala756=)

Gene: NPC1 (NPC intracellular cholesterol transporter 1; minus strand). Cytogenetic location: 18q11.2.
Variant type: single nucleotide variant.
Coding change: c.2268C>T on transcript NM_000271.5 (MANE Select); coding-DNA position 2268, C replaced by T.
Protein change: p.Ala756=; no amino-acid change (alanine 756 retained).
Molecular consequence: synonymous variant.
Genome position (GRCh38, 1-based): chr18:23,541,411, G>A on the plus strand (C>T on the coding strand, the complement: NPC1 is on the minus strand). VCF-style: chr18-23541411-G-A. GRCh37 (hg19) VCF-style: chr18-21121375-G-A.
Identifiers: ClinVar variation 753277 (VCV000753277.18), dbSNP rs536329623, ClinGen allele CA8913157.
Genomic context (GRCh38, chr18:23,541,411, plus strand): 5'-AATCTGCAGAAGAAAGTCAATGAAGACTGCCAATCCCGCAAAGAGAGAGAAGGTGTGCAC[G>A]GCTGGCATCACGGACAATGCTCCTGTCGGGGAGAGAAGGGCTCTGCGTCACTTCTGTTTA-3'
Protein context (NP_000262.2, residues 746-766): FFLGALSVMP[Ala756=]VHTFSLFAGL